The following is an entry in ClinVar:

ClinVar aggregate classification (germline): Likely pathogenic (1 of 4 stars; one submission).

Conditions:
Primary ciliary dyskinesia. Also called: Ciliary dyskinesia. Identifiers: Orphanet 244, MedGen C0008780, MONDO:0016575, HP:0012265.

Submission:

Labcorp Genetics (formerly Invitae), Labcorp
Classification: Likely pathogenic for Primary ciliary dyskinesia. Last evaluated: 2023-05-11. Review status: criteria provided, single submitter. Criteria: Invitae Variant Classification Sherloc (09022015). Collection method: clinical testing. Allele origin: germline.
Comment: In summary, the currently available evidence indicates that the variant is pathogenic, but additional data are needed to prove that conclusively. Therefore, this variant has been classified as Likely Pathogenic. Algorithms developed to predict the effect of sequence changes on RNA splicing suggest that this variant may disrupt the consensus splice site. This variant has not been reported in the literature in individuals affected with DNAH11-related conditions. This variant is not present in population databases (gnomAD no frequency). This sequence change affects an acceptor splice site in intron 29 of the DNAH11 gene. It is expected to disrupt RNA splicing. Variants that disrupt the donor or acceptor splice site typically lead to a loss of protein function (PMID: 16199547), and loss-of-function variants in DNAH11 are known to be pathogenic (PMID: 18022865, 20513915, 22184204).

Literature cited by the submitters: PubMed 16199547; PubMed 18022865; PubMed 20513915; PubMed 22184204.

NM_001277115.2(DNAH11):c.5095-1G>A

Gene: DNAH11 (dynein axonemal heavy chain 11; plus strand). Cytogenetic location: 7p15.3.
Variant type: single nucleotide variant.
Coding change: c.5095-1G>A on transcript NM_001277115.2 (MANE Select); the canonical splice acceptor site of the intron before coding-DNA position 5095, G replaced by A.
Molecular consequence: splice acceptor variant.
Genome position (GRCh38, 1-based): chr7:21,658,797, G>A. VCF-style: chr7-21658797-G-A. GRCh37 (hg19) VCF-style: chr7-21698415-G-A.
Identifiers: ClinVar variation 2863394 (VCV002863394.3), dbSNP rs2534838713, ClinGen allele CA366939541.